The following is an entry in ClinVar:

NM_000170.3(GLDC):c.815A>G (p.Lys272Arg)

Gene: GLDC (glycine decarboxylase; minus strand). Cytogenetic location: 9p24.1.
Variant type: single nucleotide variant.
Coding change: c.815A>G on transcript NM_000170.3 (MANE Select); coding-DNA position 815, A replaced by G.
Protein change: p.Lys272Arg; replaces lysine 272 with arginine.
Molecular consequence: missense variant.
Genome position (GRCh38, 1-based): chr9:6,605,177, T>C on the plus strand (A>G on the coding strand, the complement: GLDC is on the minus strand). VCF-style: chr9-6605177-T-C. GRCh37 (hg19) VCF-style: chr9-6605177-T-C.
Other names: short protein forms K272R.
Identifiers: ClinVar variation 969974 (VCV000969974.7), dbSNP rs566939288, ClinGen allele CA4980979.

ClinVar aggregate classification (germline): Uncertain significance. Review status: criteria provided, single submitter (1 of 4 stars). 2 submissions from 2 submitters: Uncertain significance (1). 1 of the submissions does not count toward it. Last evaluated 2022-06-27.

Conditions:
Glycine encephalopathy. Also called: Non-ketotic hyperglycinemia; Nonketotic hyperglycinemia. Identifiers: Orphanet 407, MedGen C0751748, MONDO:0011612, HP:0008288.

Allele frequency attached by ClinVar (database versions not stated): gnomAD exomes below 0.00001; ExAC 0.00001; TOPMed 0.00001.
gnomAD v4.1: 13 of 1,613,480 alleles (0.00081%); highest among the groups gnomAD compares: Non-Finnish European, 0.0011%; no homozygotes.

Submissions (2):

Labcorp Genetics (formerly Invitae), Labcorp
Classification: Uncertain significance for Glycine encephalopathy. Last evaluated: 2022-06-27. Review status: criteria provided, single submitter. Criteria: Invitae Variant Classification Sherloc (09022015). Collection method: clinical testing. Allele origin: germline.
Comment: This sequence change replaces lysine, which is basic and polar, with arginine, which is basic and polar, at codon 272 of the GLDC protein (p.Lys272Arg). This variant is present in population databases (rs566939288, gnomAD 0.0009%). This variant has not been reported in the literature in individuals affected with GLDC-related conditions. ClinVar contains an entry for this variant (Variation ID: 969974). Advanced modeling of protein sequence and biophysical properties (such as structural, functional, and spatial information, amino acid conservation, physicochemical variation, residue mobility, and thermodynamic stability) performed at Invitae indicates that this missense variant is not expected to disrupt GLDC protein function. In summary, the available evidence is currently insufficient to determine the role of this variant in disease. Therefore, it has been classified as a Variant of Uncertain Significance.

Natera, Inc.
Classification: Uncertain significance for Non-ketotic hyperglycinemia. Last evaluated: 2020-08-17. Review status: no assertion criteria provided. Collection method: clinical testing. Allele origin: germline. Not counted in ClinVar's aggregate classification.